The following is an entry in ClinVar:

NM_000088.4(COL1A1):c.3489_3497del (p.Pro1165_Pro1167del)

Gene: COL1A1 (collagen type I alpha 1 chain; minus strand). Cytogenetic location: 17q21.33.
Variant type: Deletion.
Coding change: c.3489_3497del on transcript NM_000088.4 (MANE Select); coding-DNA positions 3489 to 3497, 9 bases deleted (GCCCCCTGG; older notation c.3489_3497delGCCCCCTGG).
Protein change: p.Pro1165_Pro1167del.
Genome position (GRCh38, 1-based): chr17:50,187,049-50,187,057, CCAGGGGGC deleted on the plus strand (GCCCCCTGG on the coding strand, the reverse complement: COL1A1 is on the minus strand); deleting any 9 consecutive bases within chr17:50,187,049-50,187,060 gives the same sequence; the c. name uses the placement nearest the transcript's 3' end. VCF-style (leftmost placement, unchanged base first): chr17-50187048-ACCAGGGGGC-A. GRCh37 (hg19) VCF-style: chr17-48264409-ACCAGGGGGC-A.
Identifiers: ClinVar variation 3657309 (VCV003657309.2).

ClinVar aggregate classification (germline): Pathogenic (1 of 4 stars; one submission).

Conditions:
Osteogenesis imperfecta type I (OI1). Also called: Lobstein's Disease; Lobstein disease; Classic Non-deforming Osteogenesis Imperfecta with Blue Sclerae; OI, TYPE I; OSTEOGENESIS IMPERFECTA TARDA; OSTEOGENESIS IMPERFECTA WITH BLUE SCLERAE. Identifiers: Orphanet 216796, Orphanet 666, MedGen C0023931, MONDO:0008146, OMIM 166200. Disease mechanism: loss of function.

Submission:

Labcorp Genetics (formerly Invitae), Labcorp
Classification: Pathogenic for Osteogenesis imperfecta type I. Last evaluated: 2024-06-21. Review status: criteria provided, single submitter. Criteria: Invitae Variant Classification Sherloc (09022015). Collection method: clinical testing. Allele origin: germline.
Comment: This variant, c.3489_3497del, results in the deletion of 3 amino acid(s) of the COL1A1 protein (p.Pro1165_Pro1167del), but otherwise preserves the integrity of the reading frame. This variant is not present in population databases (gnomAD no frequency). This variant has not been reported in the literature in individuals affected with COL1A1-related conditions. This variant disrupts the triple helix domain of COL1A1. Glycine residues within the Gly-Xaa-Yaa repeats of the triple helix domain are required for the structure and stability of fibrillar collagens (PMID: 7695699, 8218237, 19344236). In COL1A1, variants affecting these glycine residues are significantly enriched in individuals with disease (PMID: 9016532, 17078022) compared to the general population (ExAC). This variant disrupts a region of the COL1A1 protein in which other variant(s) (p.Gly1166Ser) have been determined to be pathogenic (PMID: 3016737; Invitae). This suggests that this is a clinically significant region of the protein, and that variants that disrupt it are likely to be disease-causing. For these reasons, this variant has been classified as Pathogenic.

Literature cited by the submitters: PubMed 7695699; PubMed 8218237; PubMed 19344236; PubMed 9016532; PubMed 17078022; PubMed 3016737.